The following is an entry in ClinVar:

NM_001365951.3(KIF1B):c.2582A>G (p.Glu861Gly)

Gene: KIF1B (kinesin family member 1B; plus strand). Cytogenetic location: 1p36.22.
Variant type: single nucleotide variant.
Coding change: c.2582A>G on transcript NM_001365951.3 (MANE Select); coding-DNA position 2582, A replaced by G.
Protein change: p.Glu861Gly; replaces glutamic acid 861 with glycine.
Molecular consequence: missense variant.
Genome position (GRCh38, 1-based): chr1:10,324,802, A>G. VCF-style: chr1-10324802-A-G. GRCh37 (hg19) VCF-style: chr1-10384860-A-G.
Other names: c.2582A>G, p.Glu861Gly (NM_001365952.1); c.2444A>G, p.Glu815Gly (NM_015074.3); short protein forms E815G, E861G.
Identifiers: ClinVar variation 1791366 (VCV001791366.3), dbSNP rs2521629715, ClinGen allele CA338335557.

ClinVar aggregate classification (germline): Uncertain significance (1 of 4 stars; one submission).

Submission:

Ambry Genetics
Classification: Uncertain significance. Last evaluated: 2025-08-09. Review status: criteria provided, single submitter. Criteria: Ambry Variant Classification Scheme 2023. Collection method: clinical testing. Allele origin: germline.
Comment: The p.E815G variant (also known as c.2444A>G), located in coding exon 23 of the KIF1B gene, results from an A to G substitution at nucleotide position 2444. The glutamic acid at codon 815 is replaced by glycine, an amino acid with similar properties. This amino acid position is conserved. In addition, the in silico prediction for this alteration is inconclusive. Since supporting evidence is limited at this time, the clinical significance of this alteration remains unclear.